The following is an entry in ClinVar:

NM_001384950.1(NLRC5):c.3338+50C>T

Gene: NLRC5 (NLR family CARD domain containing 5; plus strand). Cytogenetic location: 16q13.
Variant type: single nucleotide variant.
Coding change: c.3338+50C>T on transcript NM_001384950.1 (MANE Select); 50 bases into the intron after coding-DNA position 3338, C replaced by T.
Molecular consequence: intron variant.
Genome position (GRCh38, 1-based): chr16:57,046,691, C>T. VCF-style: chr16-57046691-C-T. GRCh37 (hg19) VCF-style: chr16-57080603-C-T.
Other names: c.3338+50C>T (NM_001384954.1, NM_001384953.1, NM_001384957.1 and 17 more transcripts); c.3165-854C>T (NM_001384960.1); c.3249-854C>T (NM_001384967.1, NM_001384968.1); c.3254+50C>T (NM_001384965.1); c.3098+50C>T (NM_001384972.1).
Identifiers: ClinVar variation 103175 (VCV000103175.2), dbSNP rs199475992, ClinGen allele CA230221.
Genomic context (GRCh38, chr16:57,046,691, plus strand): 5'-AGGAGCCTCTGGTACTGTCCCAGCCCTTCTTGTTTGGGGGTAACCATAATAGGGATGAGG[C>T]GTCAGAGGGGGCAGAGCTGGCAGGGGGCTAGGGCTGGGGATTGGGATAGAGGGAAGAGAG-3'

ClinVar aggregate classification (germline): not provided (0 of 4 stars; one submission).

Allele frequency attached by ClinVar (database versions not stated): gnomAD 0.00006 and 0.00010; gnomAD exomes 0.00006; TOPMed 0.00009; ExAC 0.00012; ESP Exome Variant Server 0.00023; 1000 Genomes Project 0.00080; 1000 Genomes Project 30x 0.00141.
gnomAD v4.1: 59 of 1,475,816 alleles (0.004%); highest among the groups gnomAD compares: African/African-American, 0.035%; 1 homozygote.

Submission:

Human Evolutionary Genetics, Institut Pasteur
No classification provided. Review status: no classification provided. Collection method: not provided. Allele origin: germline.
ClinVar note: Converted during submission from untested to not provided.